The following is an entry in ClinVar:

ClinVar aggregate classification (germline): Conflicting classifications of pathogenicity. Review status: criteria provided, conflicting classifications (1 of 4 stars). 7 submissions from 7 submitters: Likely pathogenic (2); Uncertain significance (1); Benign (2). 2 of the submissions do not count toward it. Last evaluated 2026-07-01.

Conditions:
TMEM107-related disorder. Also called: TMEM107-related condition.
SNORD118 & TMEM107-related disorders.
Leukoencephalopathy with calcifications and cysts. Also called: LABRUNE SYNDROME; Leukoencephalopathy, brain calcifications, and cysts. Identifiers: Orphanet 542310, MedGen C3281200, MONDO:0013803, OMIM 614561.
Meckel-Gruber syndrome. Also called: DYSENCEPHALIA SPLANCHNOCYSTICA; GRUBER SYNDROME; Dysencephalia splachnocystica. Identifiers: Orphanet 564, MedGen C0265215, MONDO:0018921.

Allele frequency attached by ClinVar (database versions not stated): 1000 Genomes Project 0.00240; ESP Exome Variant Server 0.00663; TOPMed 0.00749.
gnomAD v4.1: 1,800 of 761,446 alleles (0.24%); highest among the groups gnomAD compares: African/African-American, 2%; 11 homozygotes.

Submissions (7):

CeGaT Center for Human Genetics Tuebingen
Classification: Benign. Last evaluated: 2026-07-01. Review status: criteria provided, single submitter. Criteria: CeGaT Center For Human Genetics Tuebingen Variant Classification Criteria Version 2. Collection method: clinical testing. Allele origin: germline. Affected: yes. Observed: 10 variant alleles.
Comment: TMEM107: BS1, BS2; SNORD118: BS1, BS2

Institute of Human Genetics, University of Leipzig Medical Center
Classification: Uncertain significance for Leukoencephalopathy with calcifications and cysts. Last evaluated: 2025-03-04. Review status: criteria provided, single submitter. Criteria: ACMG Guidelines, 2015. Collection method: clinical testing. Allele origin: unknown. Inheritance: Autosomal recessive inheritance. Affected: yes.
Comment: Criteria applied: PM3_STR; Identified as compund heterozygous with NR_033294.2:n.72A>G

Blueprint Genetics
Classification: Likely pathogenic for SNORD118 & TMEM107-related disorders. Last evaluated: 2024-11-26. Review status: criteria provided, single submitter. Criteria: ACMG Guidelines, 2015. Collection method: clinical testing. Allele origin: germline. Affected: yes. Observed: 5 variant alleles.

Department of Pathology and Laboratory Medicine, Sinai Health System
Classification: Likely pathogenic for Meckel-Gruber syndrome. Last evaluated: 2023-05-17. Review status: criteria provided, single submitter. Criteria: ACMG Guidelines, 2015. Collection method: research. Allele origin: germline.

Mendelics
Classification: Benign. Last evaluated: 2022-05-04. Review status: criteria provided, single submitter. Criteria: Mendelics Assertion Criteria 2019. Collection method: clinical testing. Allele origin: germline.

PreventionGenetics, part of Exact Sciences
Classification: Benign for TMEM107-related condition. Last evaluated: 2024-06-16. Review status: no assertion criteria provided. Collection method: clinical testing. Allele origin: germline. Not counted in ClinVar's aggregate classification.
Comment: This variant is classified as benign based on ACMG/AMP sequence variant interpretation guidelines (Richards et al. 2015 PMID: 25741868, with internal and published modifications).

Laboratory of Neurogenetics and Neuroinflammation, Institut Imagine
Classification: Pathogenic for Leukoencephalopathy, brain calcifications, and cysts. Last evaluated: 2020-04-06. Review status: no assertion criteria provided. Collection method: clinical testing. Allele origin: germline. Affected: yes. Observed: 10 variant alleles. Not counted in ClinVar's aggregate classification.

Literature cited by the submitters: PubMed 29984895 (cited by Laboratory of Neurogenetics and Neuroinflammation, Institut Imagine).

NM_183065.4(TMEM107):c.*760G>T

Genes: SNORD118 (small nucleolar RNA, C/D box 118; minus strand), TMEM107 (transmembrane protein 107; minus strand). Cytogenetic location: 17p13.1.
Variant type: single nucleotide variant.
Coding change: c.*760G>T on transcript NM_183065.4 (MANE Select); 760 bases downstream of the stop codon, G replaced by T.
Molecular consequence: 3 prime UTR variant. On other transcripts: non-coding transcript variant (1).
Genome position (GRCh38, 1-based): chr17:8,173,443, C>A on the plus strand (G>T on the coding strand, the complement: TMEM107 is on the minus strand). VCF-style: chr17-8173443-C-A. GRCh37 (hg19) VCF-style: chr17-8076761-C-A.
Other names: c.*760G>T (NM_032354.3, NM_001351278.2, NM_001351279.2 and 2 more transcripts).
Identifiers: ClinVar variation 929263 (VCV000929263.30), dbSNP rs116395281, ClinGen allele CA8370538.
Genomic context (GRCh38, chr17:8,173,443, plus strand): 5'-AGAACTTCATAGCTATGTTTGTGGATATCTGCTAATCAGCATAACACAAATGTAAGTGAT[C>A]GTCAGAAAGAATCAGACAGGAGCAATCAGGGTGTTGCAAGTCCTGATTACGCAGAGACGT-3'